The following is an entry in ClinVar:

ClinVar aggregate classification (germline): Conflicting classifications of pathogenicity. Review status: criteria provided, conflicting classifications (1 of 4 stars). 2 submissions from 2 submitters: Likely pathogenic (1); Uncertain significance (1). Last evaluated 2024-06-07.

Conditions:
Mucopolysaccharidosis, MPS-II (MPS2). Also called: IDS deficiency; Sulfoiduronate sulfatase deficiency; SIDS deficiency; Mucopolysaccharidosis type 2; Attenuated MPS (subtype; formerly known as mild MPS II); Severe MPS II. Identifiers: Orphanet 580, Orphanet 79388, MedGen C0026705, MONDO:0010674, OMIM 309900.

Submissions (2):

Laboratory of Diagnosis and Therapy of Lysosomal Disorders, University of Padova
Classification: Likely pathogenic for Mucopolysaccharidosis, MPS-II. Last evaluated: 2024-06-07. Review status: criteria provided, single submitter. Criteria: ACMG Guidelines, 2015. Collection method: literature only. Allele origin: germline. Affected: yes. Observed: 2 variant alleles.
Comment: Absent from controls (or at low frequency) in gnomAD database (PM2_Moderate), Missense variant in a gene with a low rate of benign missense variation (PP2_Supporting), Multiple lines of computational evidence support a deleterious effect (PP3_Supporting), Patient’s phenotype or family history highly specific for the disease (PP4_Strong)

Classification method: ACMG Guidelines [PMID:25741868] with modifications

Labcorp Genetics (formerly Invitae), Labcorp
Classification: Uncertain significance for Mucopolysaccharidosis, MPS-II. Last evaluated: 2022-02-08. Review status: criteria provided, single submitter. Criteria: Invitae Variant Classification Sherloc (09022015). Collection method: clinical testing. Allele origin: germline.
Comment: In summary, the available evidence is currently insufficient to determine the role of this variant in disease. Therefore, it has been classified as a Variant of Uncertain Significance. This sequence change replaces serine, which is neutral and polar, with tyrosine, which is neutral and polar, at codon 491 of the IDS protein (p.Ser491Tyr). This variant is not present in population databases (gnomAD no frequency). This variant has not been reported in the literature in individuals affected with IDS-related conditions. Algorithms developed to predict the effect of missense changes on protein structure and function are either unavailable or do not agree on the potential impact of this missense change (SIFT: "Deleterious"; PolyPhen-2: "Probably Damaging"; Align-GVGD: "Class C15").

Literature cited by the submitters: PubMed 36945845 (cited by Laboratory of Diagnosis and Therapy of Lysosomal Disorders, University of Padova).

NM_000202.8(IDS):c.1472C>A (p.Ser491Tyr)

Gene: IDS (iduronate 2-sulfatase; minus strand). Cytogenetic location: Xq28.
Variant type: single nucleotide variant.
Coding change: c.1472C>A on transcript NM_000202.8 (MANE Select); coding-DNA position 1472, C replaced by A.
Protein change: p.Ser491Tyr; replaces serine 491 with tyrosine.
Molecular consequence: missense variant.
Genome position (GRCh38, 1-based): chrX:149,482,927, G>T on the plus strand (C>A on the coding strand, the complement: IDS is on the minus strand). VCF-style: chrX-149482927-G-T. GRCh37 (hg19) VCF-style: chrX-148564458-G-T.
Other names: c.1202C>A, p.Ser401Tyr (NM_001166550.4); short protein forms S491Y, S401Y.
Identifiers: ClinVar variation 2087273 (VCV002087273.6), dbSNP rs2520754446, ClinGen allele CA414518013.